The following is an entry in ClinVar:

ClinVar aggregate classification (germline): Uncertain significance (1 of 4 stars; one submission).

Submission:

Labcorp Genetics (formerly Invitae), Labcorp
Classification: Uncertain significance. Last evaluated: 2024-06-19. Review status: criteria provided, single submitter. Criteria: Invitae Variant Classification Sherloc (09022015). Collection method: clinical testing. Allele origin: germline.
Comment: This sequence change replaces alanine, which is neutral and non-polar, with serine, which is neutral and polar, at codon 2074 of the NBAS protein (p.Ala2074Ser). This variant is not present in population databases (gnomAD no frequency). This variant has not been reported in the literature in individuals affected with NBAS-related conditions. Advanced modeling of protein sequence and biophysical properties (such as structural, functional, and spatial information, amino acid conservation, physicochemical variation, residue mobility, and thermodynamic stability) performed at Invitae indicates that this missense variant is not expected to disrupt NBAS protein function with a negative predictive value of 95%. In summary, the available evidence is currently insufficient to determine the role of this variant in disease. Therefore, it has been classified as a Variant of Uncertain Significance.

NM_015909.4(NBAS):c.6220G>T (p.Ala2074Ser)

Gene: NBAS (NBAS subunit of NRZ tethering complex; minus strand). Cytogenetic location: 2p24.3.
Variant type: single nucleotide variant.
Coding change: c.6220G>T on transcript NM_015909.4 (MANE Select); coding-DNA position 6220, G replaced by T.
Protein change: p.Ala2074Ser; replaces alanine 2074 with serine.
Molecular consequence: missense variant. On other transcripts: non-coding transcript variant (1).
Genome position (GRCh38, 1-based): chr2:15,232,438, C>A on the plus strand (G>T on the coding strand, the complement: NBAS is on the minus strand). VCF-style: chr2-15232438-C-A. GRCh37 (hg19) VCF-style: chr2-15372562-C-A.
Other names: short protein forms A2074S.
Identifiers: ClinVar variation 3673334 (VCV003673334.2).